The following is an entry in ClinVar:

ClinVar aggregate classification (germline): Uncertain significance (1 of 4 stars; one submission).

Conditions:
Mucopolysaccharidosis type 6 (MPS6). Also called: MPS 6; Maroteaux Lamy syndrome; MPS VI; ARSB DEFICIENCY; ARYLSULFATASE B DEFICIENCY; N-ACETYLGALACTOSAMINE-4-SULFATASE DEFICIENCY. Identifiers: Orphanet 583, MedGen C0026709, MONDO:0009661, OMIM 253200.

Allele frequency attached by ClinVar (database versions not stated): gnomAD 0.00001; ExAC 0.00002; TOPMed 0.00002; ESP Exome Variant Server 0.00008.
gnomAD v4.1: 4 of 1,613,804 alleles (0.00025%); highest among the groups gnomAD compares: African/African-American, 0.0053%; no homozygotes.

Submission:

Labcorp Genetics (formerly Invitae), Labcorp
Classification: Uncertain significance for Mucopolysaccharidosis type 6. Last evaluated: 2023-08-17. Review status: criteria provided, single submitter. Criteria: Invitae Variant Classification Sherloc (09022015). Collection method: clinical testing. Allele origin: germline.
Comment: This sequence change replaces lysine, which is basic and polar, with arginine, which is basic and polar, at codon 230 of the ARSB protein (p.Lys230Arg). In summary, the available evidence is currently insufficient to determine the role of this variant in disease. Therefore, it has been classified as a Variant of Uncertain Significance. An algorithm developed to predict the effect of missense changes on protein structure and function (PolyPhen-2) suggests that this variant is likely to be disruptive. This variant has not been reported in the literature in individuals affected with ARSB-related conditions. This variant is present in population databases (rs148803852, gnomAD 0.008%).

NM_000046.5(ARSB):c.689A>G (p.Lys230Arg)

Gene: ARSB (arylsulfatase B; minus strand). Cytogenetic location: 5q14.1.
Variant type: single nucleotide variant.
Coding change: c.689A>G on transcript NM_000046.5 (MANE Select); coding-DNA position 689, A replaced by G.
Protein change: p.Lys230Arg; replaces lysine 230 with arginine.
Molecular consequence: missense variant.
Genome position (GRCh38, 1-based): chr5:78,964,417, T>C on the plus strand (A>G on the coding strand, the complement: ARSB is on the minus strand). VCF-style: chr5-78964417-T-C. GRCh37 (hg19) VCF-style: chr5-78260240-T-C.
Other names: c.689A>G, p.Lys230Arg (NM_198709.3); short protein forms K230R.
Identifiers: ClinVar variation 2886372 (VCV002886372.3), dbSNP rs148803852, ClinGen allele CA3318210.